The following is an entry in ClinVar:

NM_000051.4(ATM):c.9160G>A (p.Ala3054Thr)

Genes: ATM (ATM serine/threonine kinase; plus strand), C11orf65 (chromosome 11 open reading frame 65; minus strand). Cytogenetic location: 11q22.3.
Variant type: single nucleotide variant.
Coding change: c.9160G>A on transcript NM_000051.4 (MANE Select); coding-DNA position 9160, G replaced by A.
Protein change: p.Ala3054Thr; replaces alanine 3054 with threonine.
Molecular consequence: missense variant. On other transcripts: intron variant (2).
Genome position (GRCh38, 1-based): chr11:108,365,497, G>A. VCF-style: chr11-108365497-G-A. GRCh37 (hg19) VCF-style: chr11-108236224-G-A.
Other names: c.694+20423C>T (NM_001351110.2); c.9160G>A, p.Ala3054Thr (NM_001351834.2); c.640+20423C>T (NM_001330368.2); short protein forms A3054T.
Identifiers: ClinVar variation 565942 (VCV000565942.8), dbSNP rs1565609869, ClinGen allele CA382532181.

ClinVar aggregate classification (germline): Uncertain significance. Review status: criteria provided, multiple submitters, no conflicts (2 of 4 stars). 2 submissions from 2 submitters: Uncertain significance (2). Last evaluated 2024-01-30.

Conditions:
Hereditary cancer-predisposing syndrome. Also called: Hereditary Cancer Syndrome; Neoplastic Syndromes, Hereditary; Tumor predisposition; Hereditary neoplastic syndrome. Identifiers: Orphanet 140162, MedGen C0027672, MeSH D009386, MONDO:0015356.
Ataxia-telangiectasia syndrome (AT). Also called: Cerebello-oculocutaneous telangiectasia; Immunodeficiency with ataxia telangiectasia; Ataxia-telangiectasia, complementation group E; Ataxia-telangiectasia, complementation group D; AT, COMPLEMENTATION GROUP C; ATAXIA-TELANGIECTASIA, COMPLEMENTATION GROUP A. Identifiers: Orphanet 100, MedGen C0004135, MONDO:0008840, OMIM 208900.

Submissions (2):

Ambry Genetics
Classification: Uncertain significance for Hereditary cancer-predisposing syndrome. Last evaluated: 2024-01-30. Review status: criteria provided, single submitter. Criteria: Ambry Variant Classification Scheme 2023. Collection method: clinical testing. Allele origin: germline.
Comment: The p.A3054T variant (also known as c.9160G>A), located in coding exon 62 of the ATM gene, results from a G to A substitution at nucleotide position 9160. The alanine at codon 3054 is replaced by threonine, an amino acid with similar properties. This alteration was identified in 1 of 1009 patients amongst a cohort of Chinese patients with a personal history of pancreatic ductal adenocarcinoma (Yin L et al. JAMA Netw Open, 2022 Feb;5:e2148721). This amino acid position is well conserved in available vertebrate species. In addition, the in silico prediction for this alteration is inconclusive. Based on the available evidence, the clinical significance of this alteration remains unclear.

Labcorp Genetics (formerly Invitae), Labcorp
Classification: Uncertain significance for Ataxia-telangiectasia syndrome. Last evaluated: 2021-10-08. Review status: criteria provided, single submitter. Criteria: Invitae Variant Classification Sherloc (09022015). Collection method: clinical testing. Allele origin: germline.
Comment: In summary, the available evidence is currently insufficient to determine the role of this variant in disease. Therefore, it has been classified as a Variant of Uncertain Significance. Algorithms developed to predict the effect of missense changes on protein structure and function are either unavailable or do not agree on the potential impact of this missense change (SIFT: "Tolerated"; PolyPhen-2: "Probably Damaging"; Align-GVGD: "Class C0"). ClinVar contains an entry for this variant (Variation ID: 565942). This variant has not been reported in the literature in individuals affected with ATM-related conditions. This variant is not present in population databases (ExAC no frequency). This sequence change replaces alanine with threonine at codon 3054 of the ATM protein (p.Ala3054Thr). The alanine residue is moderately conserved and there is a small physicochemical difference between alanine and threonine.

Literature cited by the submitters: PubMed 35171259 (cited by Ambry Genetics).